The following is an entry in ClinVar:

NM_020461.4(TUBGCP6):c.2901_2902insCCTCACCTGCACCTCACCTGCACCA (p.Gly968fs)

Gene: TUBGCP6 (tubulin gamma complex component 6; minus strand). Cytogenetic location: 22q13.33.
Variant type: Insertion.
Coding change: c.2901_2902insCCTCACCTGCACCTCACCTGCACCA on transcript NM_020461.4 (MANE Select); coding-DNA positions 2901 to 2902, CCTCACCTGCACCTCACCTGCACCA inserted.
Protein change: p.Gly968fs; shifts the reading frame from glycine 968.
Molecular consequence: frameshift variant.
Genome position: GRCh38 VCF-style: chr22-50221457-C-CTGGTGCAGGTGAGGTGCAGGTGAGG. GRCh37 (hg19) VCF-style: chr22-50659886-C-CTGGTGCAGGTGAGGTGCAGGTGAGG.
Other names: short protein forms G968fs.
Identifiers: ClinVar variation 2787342 (VCV002787342.3), dbSNP rs2519137871, ClinGen allele CA2739268059.
Genomic context (GRCh38, chr22:50,221,457, plus strand): 5'-TGTCCTCCCACAGCTGTAGCCCTGAGCTGCCCAAGCTGCACTCTGCAGCCTGCAGGGGCC[C>CTGGTGCAGGTGAGGTGCAGGTGAGG]TGGTGCAGGTGAGGTGGCCACAGCTGGCCTCAGGACAGTACTAAAGTCGTACTCCTGTGG-3'

ClinVar aggregate classification (germline): Pathogenic (1 of 4 stars; one submission).

Submission:

Labcorp Genetics (formerly Invitae), Labcorp
Classification: Pathogenic. Last evaluated: 2025-10-02. Review status: criteria provided, single submitter. Criteria: Invitae Variant Classification Sherloc (09022015). Collection method: clinical testing. Allele origin: germline.
Comment: This sequence change creates a premature translational stop signal (p.Gly968Profs*83) in the TUBGCP6 gene. It is expected to result in an absent or disrupted protein product. Loss-of-function variants in TUBGCP6 are known to be pathogenic (PMID: 25344692). This variant is not present in population databases (gnomAD no frequency). This variant has not been reported in the literature in individuals affected with TUBGCP6-related conditions. ClinVar contains an entry for this variant (Variation ID: 2787342). For these reasons, this variant has been classified as Pathogenic.

Literature cited by the submitters: PubMed 25344692.